The following is an entry in ClinVar:

NM_005591.4(MRE11):c.1175C>T (p.Pro392Leu)

Gene: MRE11 (MRE11 double strand break repair nuclease; minus strand). Cytogenetic location: 11q21.
Variant type: single nucleotide variant.
Coding change: c.1175C>T on transcript NM_005591.4 (MANE Select); coding-DNA position 1175, C replaced by T.
Protein change: p.Pro392Leu; replaces proline 392 with leucine.
Molecular consequence: missense variant.
Genome position (GRCh38, 1-based): chr11:94,464,163, G>A on the plus strand (C>T on the coding strand, the complement: MRE11 is on the minus strand). VCF-style: chr11-94464163-G-A. GRCh37 (hg19) VCF-style: chr11-94197329-G-A.
Other names: c.1175C>T, p.Pro392Leu (NM_001330347.2, NM_005590.4); short protein forms P392L.
Identifiers: ClinVar variation 2624743 (VCV002624743.2), dbSNP rs2496426531, ClinGen allele CA382372815.
Genomic context (GRCh38, chr11:94,464,163, plus strand): 5'-ACTAGCTTACCTGTTTTTTCCTTTTGTTCTCTATGCCTGAAAAAATGGATAATGTCTTTT[G>A]GATTAGCTACCCGATCCACAAATTTCTGGCTAAAGCGAAGAACACTGAAAGGTTCAAAAC-3'
Protein context (NP_005582.1, residues 382-402): SQKFVDRVAN[Pro392Leu]KDIIHFFRHR

ClinVar aggregate classification (germline): Uncertain significance (1 of 4 stars; one submission).

Conditions:
Hereditary cancer-predisposing syndrome. Also called: Tumor predisposition; Hereditary Cancer Syndrome; Hereditary neoplastic syndrome; Neoplastic Syndromes, Hereditary. Identifiers: Orphanet 140162, MedGen C0027672, MeSH D009386, MONDO:0015356.

Submission:

Ambry Genetics
Classification: Uncertain significance for Hereditary cancer-predisposing syndrome. Last evaluated: 2023-06-28. Review status: criteria provided, single submitter. Criteria: Ambry Variant Classification Scheme 2023. Collection method: clinical testing. Allele origin: germline.
Comment: The p.P392L variant (also known as c.1175C>T), located in coding exon 10 of the MRE11A gene, results from a C to T substitution at nucleotide position 1175. The proline at codon 392 is replaced by leucine, an amino acid with similar properties. This amino acid position is conserved. In addition, this alteration is predicted to be deleterious by in silico analysis. Since supporting evidence is limited at this time, the clinical significance of this alteration remains unclear.